The following is an entry in ClinVar:

NM_000492.4(CFTR):c.4292T>G (p.Leu1431Arg)

Genes: CFTR (CF transmembrane conductance regulator; plus strand), LOC111674477 (CFTR intron 23 enhancer; plus strand). Cytogenetic location: 7q31.2.
Variant type: single nucleotide variant.
Coding change: c.4292T>G on transcript NM_000492.4 (MANE Select); coding-DNA position 4292, T replaced by G.
Protein change: p.Leu1431Arg; replaces leucine 1431 with arginine.
Molecular consequence: missense variant.
Genome position (GRCh38, 1-based): chr7:117,666,957, T>G. VCF-style: chr7-117666957-T-G. GRCh37 (hg19) VCF-style: chr7-117307011-T-G.
Other names: short protein forms L1431R.
Identifiers: ClinVar variation 1739453 (VCV001739453.6), dbSNP rs1241265035, ClinGen allele CA368984645.
Genomic context (GRCh38, chr7:117,666,957, plus strand): 5'-CATTTCCCTAGGTCATAGAAGAGAACAAAGTGCGGCAGTACGATTCCATCCAGAAACTGC[T>G]GAACGAGAGGAGCCTCTTCCGGCAAGCCATCAGCCCCTCCGACAGGGTGAAGCTCTTTCC-3'
Protein context (NP_000483.3, residues 1421-1441): VRQYDSIQKL[Leu1431Arg]NERSLFRQAI

ClinVar aggregate classification (germline): Uncertain significance. Review status: criteria provided, multiple submitters, no conflicts (2 of 4 stars). 2 submissions from 2 submitters: Uncertain significance (2). Last evaluated 2024-12-18.

Conditions:
Cystic fibrosis (CF). Also called: MUCOVISCIDOSIS. Identifiers: Orphanet 586, MedGen C0010674, MONDO:0009061, OMIM 219700. Disease mechanism: loss of function.

gnomAD v4.1: 2 of 1,614,050 alleles (0.00012%); highest among the groups gnomAD compares: Non-Finnish European, 0.00017%; no homozygotes.

Submissions (2):

Labcorp Genetics (formerly Invitae), Labcorp
Classification: Uncertain significance for Cystic fibrosis. Last evaluated: 2024-12-18. Review status: criteria provided, single submitter. Criteria: Invitae Variant Classification Sherloc (09022015). Collection method: clinical testing. Allele origin: germline.
Comment: This sequence change replaces leucine, which is neutral and non-polar, with arginine, which is basic and polar, at codon 1431 of the CFTR protein (p.Leu1431Arg). This variant is present in population databases (no rsID available, gnomAD 0.0009%). This variant has not been reported in the literature in individuals affected with CFTR-related conditions. ClinVar contains an entry for this variant (Variation ID: 1739453). Invitae Evidence Modeling of protein sequence and biophysical properties (such as structural, functional, and spatial information, amino acid conservation, physicochemical variation, residue mobility, and thermodynamic stability) has been performed for this missense variant. However, the output from this modeling did not meet the statistical confidence thresholds required to predict the impact of this variant on CFTR protein function. In summary, the available evidence is currently insufficient to determine the role of this variant in disease. Therefore, it has been classified as a Variant of Uncertain Significance.

Ambry Genetics
Classification: Uncertain significance for Cystic fibrosis. Last evaluated: 2021-08-10. Review status: criteria provided, single submitter. Criteria: Ambry Variant Classification Scheme 2023. Collection method: clinical testing. Allele origin: germline.
Comment: The p.L1431R variant (also known as c.4292T>G), located in coding exon 27 of the CFTR gene, results from a T to G substitution at nucleotide position 4292. The leucine at codon 1431 is replaced by arginine, an amino acid with dissimilar properties. This amino acid position is conserved. In addition, this alteration is predicted to be deleterious by in silico analysis. Since supporting evidence is limited at this time, the clinical significance of this alteration remains unclear.